The following is an entry in ClinVar:

ClinVar aggregate classification (germline): Likely pathogenic (1 of 4 stars; one submission).

Conditions:
GLB1-related disorder. Also called: GLB1-related disorders. Identifiers: MedGen CN377807.

Submission:

Myriad Genetics, Inc.
Classification: Likely pathogenic for GLB1-related disorder. Last evaluated: 2025-07-25. Review status: criteria provided, single submitter. Criteria: Myriad Autosomal Dominant, Autosomal Recessive and X-Linked Classification Criteria (2023). Collection method: clinical testing. Allele origin: unknown.
Comment: NM_000404.2(GLB1):c.75+1G>T is a variant in a canonical splice site classified as likely pathogenic in the context of GLB1-related disorders. c.75+1G>T has not been observed in cases with relevant disease. Relevant functional assessments of this variant are not available in the literature. c.75+1G>T has not been observed in referenced population frequency databases. In summary, NM_000404.2(GLB1):c.75+1G>T is a variant in a canonical splice site in a gene where loss of function is a known mechanism of disease and is predicted to disrupt protein function. Please note: this variant was assessed in the context of healthy population screening.

NM_000404.4(GLB1):c.75+1G>T

Genes: GLB1 (galactosidase beta 1; minus strand), TMPPE (transmembrane protein with metallophosphoesterase domain; minus strand), LOC129936434 (ATAC-STARR-seq lymphoblastoid silent region 14182; plus strand). Cytogenetic location: 3p22.3.
Variant type: single nucleotide variant.
Coding change: c.75+1G>T on transcript NM_000404.4 (MANE Select); the canonical splice donor site of the intron after coding-DNA position 75, G replaced by T.
Molecular consequence: splice donor variant. On other transcripts: 5 prime UTR variant (2).
Genome position (GRCh38, 1-based): chr3:33,097,010, C>A on the plus strand (G>T on the coding strand, the complement: GLB1 is on the minus strand). VCF-style: chr3-33097010-C-A. GRCh37 (hg19) VCF-style: chr3-33138502-C-A.
Other names: c.-400G>T (NM_001039770.3); c.-296G>T (NM_001136238.2); c.75+1G>T (NM_001393580.1, NM_001135602.3, NM_001317040.2).
Identifiers: ClinVar variation 5004080 (VCV005004080.1).